The following is an entry in ClinVar:

NM_000138.5(FBN1):c.8104_8105del (p.Ser2702fs)

Gene: FBN1 (fibrillin 1; minus strand). Cytogenetic location: 15q21.1.
Variant type: Deletion.
Coding change: c.8104_8105del on transcript NM_000138.5 (MANE Select); coding-DNA positions 8104 to 8105, 2 bases deleted (AG; older notation c.8104_8105delAG).
Protein change: p.Ser2702fs; shifts the reading frame from serine 2702.
Molecular consequence: frameshift variant.
Genome position (GRCh38, 1-based): chr15:48,412,690-48,412,691, CT deleted on the plus strand (AG on the coding strand, the reverse complement: FBN1 is on the minus strand). VCF-style (leftmost placement, unchanged base first): chr15-48412689-ACT-A. GRCh37 (hg19) VCF-style: chr15-48704886-ACT-A.
Other names: c.8104_8105delAG, p.Ser2702Trpfs (NM_001406716.1); short protein forms S2702fs.
Identifiers: ClinVar variation 1762015 (VCV001762015.2), dbSNP rs2505375632, ClinGen allele CA2580089608.

ClinVar aggregate classification (germline): Pathogenic (1 of 4 stars; one submission).

Conditions:
Familial thoracic aortic aneurysm and aortic dissection (TAAD). Also called: Thoracic aortic aneurysms and dissections. Identifiers: Orphanet 91387, MedGen C4707243, MONDO:0019625.

Submission:

Ambry Genetics
Classification: Pathogenic for Familial thoracic aortic aneurysm and aortic dissection. Last evaluated: 2017-07-24. Review status: criteria provided, single submitter. Criteria: Ambry Variant Classification Scheme 2023. Collection method: clinical testing. Allele origin: germline.
Comment: The c.8104_8105delAG pathogenic mutation, located in coding exon 64 of the FBN1 gene, results from a deletion of two nucleotides at nucleotide positions 8104 to 8105, causing a translational frameshift with a predicted alternate stop codon (p.S2702Wfs*2). This alteration is expected to result in loss of function by premature protein truncation or nonsense-mediated mRNA decay. As such, this alteration is interpreted as a disease-causing mutation.